The following is an entry in ClinVar:

ClinVar aggregate classification (germline): Uncertain significance. Review status: criteria provided, multiple submitters, no conflicts (2 of 4 stars). 2 submissions from 2 submitters: Uncertain significance (2). Last evaluated 2025-01-19.

Conditions:
Ataxia-telangiectasia syndrome (AT). Also called: Ataxia-telangiectasia, complementation group D; AT, COMPLEMENTATION GROUP C; ATAXIA-TELANGIECTASIA, COMPLEMENTATION GROUP A; ATAXIA-TELANGIECTASIA, FRESNO VARIANT; Ataxia-telangiectasia; Cerebello-oculocutaneous telangiectasia. Identifiers: Orphanet 100, MedGen C0004135, MONDO:0008840, OMIM 208900.
Hereditary cancer-predisposing syndrome. Also called: Hereditary neoplastic syndrome; Neoplastic Syndromes, Hereditary; Tumor predisposition; Hereditary Cancer Syndrome. Identifiers: Orphanet 140162, MedGen C0027672, MeSH D009386, MONDO:0015356.

Submissions (2):

Labcorp Genetics (formerly Invitae), Labcorp
Classification: Uncertain significance for Ataxia-telangiectasia syndrome. Last evaluated: 2025-01-19. Review status: criteria provided, single submitter. Criteria: Invitae Variant Classification Sherloc (09022015). Collection method: clinical testing. Allele origin: germline.
Comment: This sequence change replaces asparagine, which is neutral and polar, with histidine, which is basic and polar, at codon 870 of the ATM protein (p.Asn870His). This variant is not present in population databases (gnomAD no frequency). This variant has not been reported in the literature in individuals affected with ATM-related conditions. ClinVar contains an entry for this variant (Variation ID: 1003631). Invitae Evidence Modeling of protein sequence and biophysical properties (such as structural, functional, and spatial information, amino acid conservation, physicochemical variation, residue mobility, and thermodynamic stability) indicates that this missense variant is not expected to disrupt ATM protein function with a negative predictive value of 95%. In summary, the available evidence is currently insufficient to determine the role of this variant in disease. Therefore, it has been classified as a Variant of Uncertain Significance.

Ambry Genetics
Classification: Uncertain significance for Hereditary cancer-predisposing syndrome. Last evaluated: 2021-09-04. Review status: criteria provided, single submitter. Criteria: Ambry Variant Classification Scheme 2023. Collection method: clinical testing. Allele origin: germline.
Comment: The p.N870H variant (also known as c.2608A>C), located in coding exon 16 of the ATM gene, results from an A to C substitution at nucleotide position 2608. The asparagine at codon 870 is replaced by histidine, an amino acid with similar properties. This amino acid position is conserved. In addition, this alteration is predicted to be tolerated by in silico analysis. Since supporting evidence is limited at this time, the clinical significance of this alteration remains unclear.

NM_000051.4(ATM):c.2608A>C (p.Asn870His)

Gene: ATM (ATM serine/threonine kinase; plus strand). Cytogenetic location: 11q22.3.
Variant type: single nucleotide variant.
Coding change: c.2608A>C on transcript NM_000051.4 (MANE Select); coding-DNA position 2608, A replaced by C.
Protein change: p.Asn870His; replaces asparagine 870 with histidine.
Molecular consequence: missense variant.
Genome position (GRCh38, 1-based): chr11:108,267,312, A>C. VCF-style: chr11-108267312-A-C. GRCh37 (hg19) VCF-style: chr11-108138039-A-C.
Other names: c.2608A>C, p.Asn870His (NM_001351834.2); short protein forms N870H.
Identifiers: ClinVar variation 1003631 (VCV001003631.10), dbSNP rs61734354, ClinGen allele CA382544146.